The following is an entry in ClinVar:

ClinVar aggregate classification (germline): Uncertain significance (1 of 4 stars; one submission).

Submission:

Labcorp Genetics (formerly Invitae), Labcorp
Classification: Uncertain significance. Last evaluated: 2020-11-20. Review status: criteria provided, single submitter. Criteria: Invitae Variant Classification Sherloc (09022015). Collection method: clinical testing. Allele origin: germline.
Comment: This variant, c.383_385del, results in the deletion of 1 amino acid(s) of the IMPG1 protein (p.Ser128del), but otherwise preserves the integrity of the reading frame. This variant is not present in population databases (ExAC no frequency). This variant has been observed in individual(s) with clinical features of vitelliform macular dystrophy (Invitae). Experimental studies and prediction algorithms are not available or were not evaluated, and the functional significance of this variant is currently unknown. In summary, the available evidence is currently insufficient to determine the role of this variant in disease. Therefore, it has been classified as a Variant of Uncertain Significance.

NM_001563.4(IMPG1):c.383_385del (p.Ser128del)

Gene: IMPG1 (interphotoreceptor matrix proteoglycan 1; minus strand). Cytogenetic location: 6q14.1.
Variant type: Deletion.
Coding change: c.383_385del on transcript NM_001563.4 (MANE Select); coding-DNA positions 383 to 385, 3 bases deleted (GCA; older notation c.383_385delGCA).
Protein change: p.Ser128del; deletes serine 128.
Molecular consequence: inframe deletion.
Genome position (GRCh38, 1-based): chr6:76,034,704-76,034,706, TGC deleted on the plus strand (GCA on the coding strand, the reverse complement: IMPG1 is on the minus strand); deleting any 3 consecutive bases within chr6:76,034,704-76,034,708 gives the same sequence; the c. name uses the placement nearest the transcript's 3' end. VCF-style (leftmost placement, unchanged base first): chr6-76034703-ATGC-A. GRCh37 (hg19) VCF-style: chr6-76744420-ATGC-A.
Other names: c.149_151del, p.Ser50del (NM_001282368.2); short protein forms S50del, S128del.
Identifiers: ClinVar variation 1500613 (VCV001500613.8), dbSNP rs1562378248, ClinGen allele CA568598661.